The following is an entry in ClinVar:

ClinVar aggregate classification (germline): Uncertain significance (1 of 4 stars; one submission).

Allele frequency attached by ClinVar (database versions not stated): gnomAD exomes 0.00001.
gnomAD v4.1: 6 of 1,614,152 alleles (0.00037%); highest among the groups gnomAD compares: Non-Finnish European, 0.00051%; no homozygotes.

Submission:

CeGaT Center for Human Genetics Tuebingen
Classification: Uncertain significance. Last evaluated: 2023-08-01. Review status: criteria provided, single submitter. Criteria: CeGaT Center For Human Genetics Tuebingen Variant Classification Criteria Version 2. Collection method: clinical testing. Allele origin: germline. Affected: yes. Observed: 1 variant allele.
Comment: PIK3R4: PM2

NM_014602.3(PIK3R4):c.1271A>G (p.His424Arg)

Gene: PIK3R4 (phosphoinositide-3-kinase regulatory subunit 4; minus strand). Cytogenetic location: 3q22.1.
Variant type: single nucleotide variant.
Coding change: c.1271A>G on transcript NM_014602.3 (MANE Select); coding-DNA position 1271, A replaced by G.
Protein change: p.His424Arg; replaces histidine 424 with arginine.
Molecular consequence: missense variant.
Genome position (GRCh38, 1-based): chr3:130,733,727, T>C on the plus strand (A>G on the coding strand, the complement: PIK3R4 is on the minus strand). VCF-style: chr3-130733727-T-C. GRCh37 (hg19) VCF-style: chr3-130452571-T-C.
Other names: short protein forms H424R.
Identifiers: ClinVar variation 2654147 (VCV002654147.24), dbSNP rs2529175002, ClinGen allele CA354530219.